The following is an entry in ClinVar:

NM_002635.4(SLC25A3):c.1037C>T (p.Pro346Leu)

Gene: SLC25A3 (solute carrier family 25 member 3; plus strand). Cytogenetic location: 12q23.1.
Variant type: single nucleotide variant.
Coding change: c.1037C>T on transcript NM_002635.4 (MANE Select); coding-DNA position 1037, C replaced by T.
Protein change: p.Pro346Leu; replaces proline 346 with leucine.
Molecular consequence: missense variant.
Genome position (GRCh38, 1-based): chr12:98,601,479, C>T. VCF-style: chr12-98601479-C-T. GRCh37 (hg19) VCF-style: chr12-98995257-C-T.
Other names: c.1040C>T, p.Pro347Leu (NM_005888.4); c.1037C>T, p.Pro346Leu (NM_213611.3); short protein forms P346L, P347L.
Identifiers: ClinVar variation 2973382 (VCV002973382.3), dbSNP rs2548530887, ClinGen allele CA386170056.
Genomic context (GRCh38, chr12:98,601,479, plus strand): 5'-CACTACAGTGGTTTATCTATGACTCCGTGAAGGTCTACTTCAGACTTCCTCGCCCTCCTC[C>T]ACCCGAGATGCCAGAGTCTCTGAAGAAGAAGCTTGGGTTAACTCAGTAGTTAGATCAAAG-3'
Protein context (NP_002626.1, residues 336-356): KVYFRLPRPP[Pro346Leu]PEMPESLKKK

ClinVar aggregate classification (germline): Uncertain significance (1 of 4 stars; one submission).

gnomAD v4.1: 3 of 1,614,066 alleles (0.00019%); highest among the groups gnomAD compares: Non-Finnish European, 0.00025%; no homozygotes.

Submission:

Labcorp Genetics (formerly Invitae), Labcorp
Classification: Uncertain significance. Last evaluated: 2024-01-06. Review status: criteria provided, single submitter. Criteria: Invitae Variant Classification Sherloc (09022015). Collection method: clinical testing. Allele origin: germline.
Comment: This sequence change replaces proline, which is neutral and non-polar, with leucine, which is neutral and non-polar, at codon 347 of the SLC25A3 protein (p.Pro347Leu). This variant is not present in population databases (gnomAD no frequency). This variant has not been reported in the literature in individuals affected with SLC25A3-related conditions. An algorithm developed to predict the effect of missense changes on protein structure and function (PolyPhen-2) suggests that this variant is likely to be disruptive. In summary, the available evidence is currently insufficient to determine the role of this variant in disease. Therefore, it has been classified as a Variant of Uncertain Significance.